The following is an entry in ClinVar:

NM_000054.7(AVPR2):c.770del (p.Gly257fs)

Gene: AVPR2 (arginine vasopressin receptor 2; plus strand). Cytogenetic location: Xq28.
Variant type: Deletion.
Coding change: c.770del on transcript NM_000054.7 (MANE Select); coding-DNA position 770, one base deleted (G; older notation c.770delG).
Protein change: p.Gly257fs; shifts the reading frame from glycine 257.
Molecular consequence: frameshift variant. On other transcripts: non-coding transcript variant (1).
Genome position (GRCh38, 1-based): chrX:153,906,276, G deleted; the last of 2 consecutive G bases (chrX:153,906,275-153,906,276); deleting either gives the same sequence. VCF-style (leftmost placement, unchanged base first): chrX-153906274-CG-C. GRCh37 (hg19) VCF-style: chrX-153171728-CG-C.
Other names: c.770del (NM_000054.4); c.770del, p.Gly257fs (NM_001146151.3); short protein forms G257fs.
Identifiers: ClinVar variation 35745 (VCV000035745.4), dbSNP rs193922119, ClinGen allele CA260169.

ClinVar aggregate classification (germline): Likely pathogenic. Review status: criteria provided, multiple submitters, no conflicts (2 of 4 stars). 2 submissions from 2 submitters: Likely pathogenic (2). Last evaluated 2020-06-11.

Conditions:
Nephrogenic diabetes insipidus. Identifiers: Orphanet 223, MedGen C0162283, MONDO:0016383, HP:0009806.

Submissions (2):

Athena Diagnostics
Classification: Likely pathogenic. Last evaluated: 2020-06-11. Review status: criteria provided, single submitter. Criteria: Athena Diagnostics Criteria. Collection method: clinical testing. Allele origin: unknown.
Comment: The variant results in a shift of the reading frame, and is therefore predicted to result in the loss of a functional protein. Not found in the total gnomAD dataset, and the data is high quality.

Women's Health and Genetics/Laboratory Corporation of America, LabCorp
Classification: Likely pathogenic for Nephrogenic Diabetes Insipidus. Last evaluated: 2011-08-18. Review status: criteria provided, single submitter. Criteria: LabCorp Variant Classification Summary - May 2015. Collection method: curation, clinical testing. Allele origin: germline. Inheritance: Xlinked unknown. Affected: yes.
ClinVar note: Converted during submission from likely pathogenic to Likely pathogenic.